The following is an entry in ClinVar:

ClinVar aggregate classification (germline): Uncertain significance. Review status: criteria provided, multiple submitters, no conflicts (2 of 4 stars). 3 submissions from 3 submitters: Uncertain significance (3). Last evaluated 2025-12-15.

Conditions:
Inborn genetic diseases. Identifiers: MedGen C0950123, MeSH D030342.

Allele frequency attached by ClinVar (database versions not stated): ExAC 0.00001; gnomAD 0.00002; TOPMed 0.00002; ESP Exome Variant Server 0.00008.
gnomAD v4.1: 23 of 1,610,440 alleles (0.0014%); highest among the groups gnomAD compares: Non-Finnish European, 0.0018%; no homozygotes.

Submissions (3):

Ambry Genetics
Classification: Uncertain significance for Inborn genetic diseases. Last evaluated: 2025-12-15. Review status: criteria provided, single submitter. Criteria: Ambry Variant Classification Scheme 2023. Collection method: clinical testing. Allele origin: germline.

Labcorp Genetics (formerly Invitae), Labcorp
Classification: Uncertain significance. Last evaluated: 2024-06-21. Review status: criteria provided, single submitter. Criteria: Invitae Variant Classification Sherloc (09022015). Collection method: clinical testing. Allele origin: germline.
Comment: This sequence change replaces aspartic acid, which is acidic and polar, with glycine, which is neutral and non-polar, at codon 974 of the ABCC6 protein (p.Asp974Gly). This variant is present in population databases (rs147391297, gnomAD 0.002%). This variant has not been reported in the literature in individuals affected with ABCC6-related conditions. ClinVar contains an entry for this variant (Variation ID: 1938820). Advanced modeling of protein sequence and biophysical properties (such as structural, functional, and spatial information, amino acid conservation, physicochemical variation, residue mobility, and thermodynamic stability) has been performed at Invitae for this missense variant, however the output from this modeling did not meet the statistical confidence thresholds required to predict the impact of this variant on ABCC6 protein function. In summary, the available evidence is currently insufficient to determine the role of this variant in disease. Therefore, it has been classified as a Variant of Uncertain Significance.

Blueprint Genetics
Classification: Uncertain significance. Last evaluated: 2022-09-12. Review status: criteria provided, single submitter. Criteria: ACMG Guidelines, 2015. Collection method: clinical testing. Allele origin: germline.

NM_001171.6(ABCC6):c.2921A>G (p.Asp974Gly)

Gene: ABCC6 (ATP binding cassette subfamily C member 6; minus strand). Cytogenetic location: 16p13.11.
Variant type: single nucleotide variant.
Coding change: c.2921A>G on transcript NM_001171.6 (MANE Select); coding-DNA position 2921, A replaced by G.
Protein change: p.Asp974Gly; replaces aspartic acid 974 with glycine.
Molecular consequence: missense variant. On other transcripts: non-coding transcript variant (1).
Genome position (GRCh38, 1-based): chr16:16,169,720, T>C on the plus strand (A>G on the coding strand, the complement: ABCC6 is on the minus strand). VCF-style: chr16-16169720-T-C. GRCh37 (hg19) VCF-style: chr16-16263577-T-C.
Other names: c.2579A>G, p.Asp860Gly (NM_001351800.1); c.2921A>G (NM_001171.5); short protein forms D860G, D974G.
Identifiers: ClinVar variation 1938820 (VCV001938820.6), dbSNP rs147391297, ClinGen allele CA7925748.
Genomic context (GRCh38, chr16:16,169,720, plus strand): 5'-AGGAGCCCGAAGATCCCGCCACGCAGGGCTGCCTGCGTCTGCTGCCCACCTACTGCAGGG[T>C]CGTCCGCCCACAGGCTCAGCCAGTAGCCCCGGCAGAAGGAGGCCACTTGCTGGCAGAGGA-3'
Protein context (NP_001162.5, residues 964-984): RGYWLSLWAD[Asp974Gly]PAVGGQQTQA